The following is an entry in ClinVar:

ClinVar aggregate classification (germline): Uncertain significance (1 of 4 stars; one submission).

Conditions:
Inborn genetic diseases. Identifiers: MedGen C0950123, MeSH D030342.

Allele frequency attached by ClinVar (database versions not stated): gnomAD exomes 0.00001.

Submission:

Ambry Genetics
Classification: Uncertain significance for Inborn genetic diseases. Last evaluated: 2026-01-20. Review status: criteria provided, single submitter. Criteria: Ambry Variant Classification Scheme 2023. Collection method: clinical testing. Allele origin: germline.
Comment: The c.250C>T (p.R84W) alteration is located in exon 4 (coding exon 4) of the SURF1 gene. This alteration results from a C to T substitution at nucleotide position 250, causing the arginine (R) at amino acid position 84 to be replaced by a tryptophan (W). Based on data from gnomAD, the T allele has an overall frequency of 0.001% (3/251322) total alleles studied. The highest observed frequency was 0.01% (3/30616) of South Asian alleles. Based on insufficient or conflicting evidence, the clinical significance of this alteration remains unclear.

NM_003172.4(SURF1):c.250C>T (p.Arg84Trp)

Gene: SURF1 (SURF1 cytochrome c oxidase assembly factor; minus strand). Cytogenetic location: 9q34.2.
Variant type: single nucleotide variant.
Coding change: c.250C>T on transcript NM_003172.4 (MANE Select); coding-DNA position 250, C replaced by T.
Protein change: p.Arg84Trp; replaces arginine 84 with tryptophan.
Molecular consequence: missense variant. On other transcripts: 5 prime UTR variant (1).
Genome position (GRCh38, 1-based): chr9:133,354,732, G>A on the plus strand (C>T on the coding strand, the complement: SURF1 is on the minus strand). VCF-style: chr9-133354732-G-A. GRCh37 (hg19) VCF-style: chr9-136221587-G-A.
Other names: c.-78C>T (NM_001280787.1); short protein forms R84W.
Identifiers: ClinVar variation 2294602 (VCV002294602.3), dbSNP rs374365243, ClinGen allele CA200833372.